The following is an entry in ClinVar:

NM_145693.2(LPIN1):c.-69443G>A

Gene: LPIN1 (lipin 1; plus strand). Cytogenetic location: 2p25.1.
Variant type: single nucleotide variant.
Coding change: c.-69443G>A on transcript NM_145693.2; 69443 bases upstream of the start codon, G replaced by A.
Genome position (GRCh38, 1-based): chr2:11,677,238, G>A. VCF-style: chr2-11677238-G-A. GRCh37 (hg19) VCF-style: chr2-11817364-G-A.
Identifiers: ClinVar variation 671156 (VCV000671156.3), dbSNP rs12477584, ClinGen allele CA11108498.

ClinVar aggregate classification (germline): Benign (1 of 4 stars; one submission).

Allele frequency attached by ClinVar (database versions not stated): TOPMed 0.19799; gnomAD 0.20420 and 0.20254; 1000 Genomes Project 0.23023; 1000 Genomes Project 30x 0.22595.

Submission:

GeneDx
Classification: Benign. Last evaluated: 2018-06-16. Review status: criteria provided, single submitter. Criteria: GeneDx Variant Classification (06012015). Collection method: clinical testing. Allele origin: germline. Affected: yes.
Comment: This variant is considered likely benign or benign based on one or more of the following criteria: it is a conservative change, it occurs at a poorly conserved position in the protein, it is predicted to be benign by multiple in silico algorithms, and/or has population frequency not consistent with disease.